The following is an entry in ClinVar:

NM_000038.6(APC):c.4063del (p.Ser1355fs)

Gene: APC (APC regulator of Wnt signaling pathway; plus strand). Cytogenetic location: 5q22.2.
Variant type: Deletion.
Coding change: c.4063del on transcript NM_000038.6 (MANE Select); coding-DNA position 4063, one base deleted (T; older notation c.4063delT).
Protein change: p.Ser1355fs; shifts the reading frame from serine 1355.
Molecular consequence: frameshift variant.
Genome position (GRCh38, 1-based): chr5:112,839,657, T deleted; the last of 4 consecutive T bases (chr5:112,839,654-112,839,657); deleting any one gives the same sequence. VCF-style (leftmost placement, unchanged base first): chr5-112839653-AT-A. GRCh37 (hg19) VCF-style: chr5-112175350-AT-A.
Other names: c.4063del, p.Ser1355fs (NM_001127510.3, NM_001354895.2); c.4009del, p.Ser1337fs (NM_001127511.3); c.4117del, p.Ser1373fs (NM_001354896.2); c.4093del, p.Ser1365fs (NM_001354897.2); c.4063delT (NM_000038.5); c.3988del, p.Ser1330fs (NM_001354898.2); c.3979del, p.Ser1327fs (NM_001354899.2); c.3940del, p.Ser1314fs (NM_001354900.2); and 17 more; short protein forms S1195fs, S1355fs, S1365fs, S1314fs, S1327fs, S1072fs, S1296fs, S1337fs.
Identifiers: ClinVar variation 2121014 (VCV002121014.7), dbSNP rs2533545374, ClinGen allele CA445964078.

ClinVar aggregate classification (germline): Pathogenic. Review status: criteria provided, multiple submitters, no conflicts (2 of 4 stars). 3 submissions from 3 submitters: Pathogenic (3). Last evaluated 2026-01-19.

Conditions:
Hereditary cancer-predisposing syndrome. Also called: Hereditary Cancer Syndrome; Tumor predisposition; Neoplastic Syndromes, Hereditary; Hereditary neoplastic syndrome. Identifiers: Orphanet 140162, MedGen C0027672, MeSH D009386, MONDO:0015356.
Familial adenomatous polyposis 1 (FAP1). Also called: POLYPOSIS, ADENOMATOUS INTESTINAL; FAMILIAL ADENOMATOUS POLYPOSIS 1, ATTENUATED. Identifiers: MedGen C2713442, MONDO:0021056, OMIM 175100. Disease mechanism: loss of function.

Submissions (3):

Labcorp Genetics (formerly Invitae), Labcorp
Classification: Pathogenic for Familial adenomatous polyposis 1. Last evaluated: 2026-01-19. Review status: criteria provided, single submitter. Criteria: Invitae Variant Classification Sherloc (09022015). Collection method: clinical testing. Allele origin: germline.
Comment: This sequence change creates a premature translational stop signal (p.Ser1355Leufs*60) in the APC gene. While this is not anticipated to result in nonsense mediated decay, it is expected to disrupt the last 1489 amino acid(s) of the APC protein. This variant is not present in population databases (gnomAD no frequency). This variant has not been reported in the literature in individuals affected with APC-related conditions. ClinVar contains an entry for this variant (Variation ID: 2121014). This variant is expected to disrupt the EB1 and HDLG binding sites, which mediate interactions with the cytoskeleton (PMID: 15311282, 17293347). While functional studies have not been performed to directly test the effect on APC protein function, this suggests that disruption of the C-terminal portion of the protein is functionally important. A different truncation (p.Tyr2645Lysfs*14) that lies downstream of this variant has been determined to be pathogenic (PMID: 9824584, 1316610, 27081525, 8381579, 22135120, internal data). This suggests that deletion of this region of the APC protein is causative of disease. For these reasons, this variant has been classified as Pathogenic.

Ambry Genetics
Classification: Pathogenic for Hereditary cancer-predisposing syndrome. Last evaluated: 2025-05-13. Review status: criteria provided, single submitter. Criteria: Ambry Variant Classification Scheme 2023. Collection method: clinical testing. Allele origin: germline.
Comment: The c.4063delT pathogenic mutation, located in coding exon 15 of the APC gene, results from a deletion of one nucleotide at nucleotide position 4063, causing a translational frameshift with a predicted alternate stop codon (p.S1355Lfs*60). This alteration occurs at the 3' terminus of theAPC gene, is not expected to trigger nonsense-mediated mRNA decay, and impacts the last 52% of the protein. However, premature stop codons are typically deleterious in nature and a significant portion of the protein is affected and the impacted region is critical for protein function (Ambry internal data). This variant was reported in individual(s) with features consistent with APC-related familial adenomatous polyposis (Ambry internal data). This variant is considered to be rare based on population cohorts in the Genome Aggregation Database (gnomAD). Based on the supporting evidence, this variant is interpreted as a disease-causing mutation.

Myriad Genetics, Inc.
Classification: Pathogenic for Familial adenomatous polyposis 1. Last evaluated: 2023-05-10. Review status: criteria provided, single submitter. Criteria: Myriad Autosomal Dominant, Autosomal Recessive and X-Linked Classification Criteria (2023). Collection method: clinical testing. Allele origin: unknown.
Comment: This variant is considered pathogenic. This variant creates a frameshift predicted to result in premature protein truncation.

Literature cited by the submitters: PubMed 15311282 (cited by Labcorp Genetics (formerly Invitae), Labcorp); PubMed 17293347 (cited by Labcorp Genetics (formerly Invitae), Labcorp); PubMed 9824584 (cited by Labcorp Genetics (formerly Invitae), Labcorp); PubMed 1316610 (cited by Labcorp Genetics (formerly Invitae), Labcorp); PubMed 27081525 (cited by Labcorp Genetics (formerly Invitae), Labcorp); PubMed 8381579 (cited by Labcorp Genetics (formerly Invitae), Labcorp); PubMed 22135120 (cited by Labcorp Genetics (formerly Invitae), Labcorp).